The following is an entry in ClinVar:

ClinVar aggregate classification (germline): Uncertain significance (1 of 4 stars; one submission).

Conditions:
Autoimmune interstitial lung disease-arthritis syndrome. Also called: Autoinflammation and autoimmunity, systemic, with immune dysregulation. Identifiers: Orphanet 444092, MedGen C5975714, MONDO:0014629.

Allele frequency attached by ClinVar (database versions not stated): gnomAD exomes below 0.00001; TOPMed below 0.00001.
gnomAD v4.1: 4 of 1,614,166 alleles (0.00025%); highest among the groups gnomAD compares: Admixed American, 0.0067%; no homozygotes.

Submission:

Labcorp Genetics (formerly Invitae), Labcorp
Classification: Uncertain significance for Autoimmune interstitial lung disease-arthritis syndrome. Last evaluated: 2025-01-15. Review status: criteria provided, single submitter. Criteria: Invitae Variant Classification Sherloc (09022015). Collection method: clinical testing. Allele origin: germline.
Comment: This sequence change replaces leucine, which is neutral and non-polar, with isoleucine, which is neutral and non-polar, at codon 435 of the COPA protein (p.Leu435Ile). This variant is not present in population databases (gnomAD no frequency). This variant has not been reported in the literature in individuals affected with COPA-related conditions. ClinVar contains an entry for this variant (Variation ID: 1518620). An algorithm developed to predict the effect of missense changes on protein structure and function (PolyPhen-2) suggests that this variant is likely to be tolerated. In summary, the available evidence is currently insufficient to determine the role of this variant in disease. Therefore, it has been classified as a Variant of Uncertain Significance.

NM_004371.4(COPA):c.1303C>A (p.Leu435Ile)

Gene: COPA (coat protein complex I subunit alpha; minus strand). Cytogenetic location: 1q23.2.
Variant type: single nucleotide variant.
Coding change: c.1303C>A on transcript NM_004371.4 (MANE Select); coding-DNA position 1303, C replaced by A.
Protein change: p.Leu435Ile; replaces leucine 435 with isoleucine.
Molecular consequence: missense variant.
Genome position (GRCh38, 1-based): chr1:160,306,493, G>T on the plus strand (C>A on the coding strand, the complement: COPA is on the minus strand). VCF-style: chr1-160306493-G-T. GRCh37 (hg19) VCF-style: chr1-160276283-G-T.
Other names: c.1303C>A, p.Leu435Ile (NM_001098398.2); short protein forms L435I.
Identifiers: ClinVar variation 1518620 (VCV001518620.6), dbSNP rs1300223116, ClinGen allele CA343256844.